The following is an entry in ClinVar:

ClinVar aggregate classification (germline): Uncertain significance (1 of 4 stars; one submission).

gnomAD v4.1: 8 of 1,606,400 alleles (0.0005%); highest among the groups gnomAD compares: South Asian, 0.0089%; no homozygotes.

Submission:

GeneDx
Classification: Uncertain significance. Last evaluated: 2025-08-05. Review status: criteria provided, single submitter. Criteria: GeneDx Variant Classification Process June 2021. Collection method: clinical testing. Allele origin: germline. Affected: yes.
Comment: In silico analysis supports that this missense variant has a deleterious effect on protein structure/function; Has not been previously published as pathogenic or benign to our knowledge

NM_003285.3(TNR):c.2065C>A (p.Pro689Thr)

Gene: TNR (tenascin R; minus strand). Cytogenetic location: 1q25.1.
Variant type: single nucleotide variant.
Coding change: c.2065C>A on transcript NM_003285.3 (MANE Select); coding-DNA position 2065, C replaced by A.
Protein change: p.Pro689Thr; replaces proline 689 with threonine.
Molecular consequence: missense variant.
Genome position (GRCh38, 1-based): chr1:175,366,127, G>T on the plus strand (C>A on the coding strand, the complement: TNR is on the minus strand). VCF-style: chr1-175366127-G-T. GRCh37 (hg19) VCF-style: chr1-175335263-G-T.
Other names: c.1066C>A, p.Pro356Thr (NM_001328635.2); short protein forms P356T, P689T.
Identifiers: ClinVar variation 4755937 (VCV004755937.1).